The following is an entry in ClinVar:

NM_002354.3(EPCAM):c.79T>C (p.Cys27Arg)

Gene: EPCAM (epithelial cell adhesion molecule; plus strand). Cytogenetic location: 2p21.
Variant type: single nucleotide variant.
Coding change: c.79T>C on transcript NM_002354.3 (MANE Select); coding-DNA position 79, T replaced by C.
Protein change: p.Cys27Arg; replaces cysteine 27 with arginine.
Molecular consequence: missense variant.
Genome position (GRCh38, 1-based): chr2:47,373,465, T>C. VCF-style: chr2-47373465-T-C. GRCh37 (hg19) VCF-style: chr2-47600604-T-C.
Other names: short protein forms C27R.
Identifiers: ClinVar variation 2566629 (VCV002566629.2), dbSNP rs2103745496, ClinGen allele CA346722374.

ClinVar aggregate classification (germline): Uncertain significance (1 of 4 stars; one submission).

Conditions:
Hereditary cancer-predisposing syndrome. Also called: Hereditary neoplastic syndrome; Hereditary Cancer Syndrome; Neoplastic Syndromes, Hereditary; Tumor predisposition. Identifiers: Orphanet 140162, MedGen C0027672, MeSH D009386, MONDO:0015356.

gnomAD v4.1: 1 of 1,600,156 alleles (0.000062%); no homozygotes.

Submission:

Ambry Genetics
Classification: Uncertain significance for Hereditary cancer-predisposing syndrome. Last evaluated: 2023-04-13. Review status: criteria provided, single submitter. Criteria: Ambry Variant Classification Scheme 2023. Collection method: clinical testing. Allele origin: germline.
Comment: The p.C27R variant (also known as c.79T>C), located in coding exon 2 of the EPCAM gene, results from a T to C substitution at nucleotide position 79. The cysteine at codon 27 is replaced by arginine, an amino acid with highly dissimilar properties. This amino acid position is conserved. In addition, this alteration is predicted to be deleterious by in silico analysis. Since supporting evidence is limited at this time, the clinical significance of this alteration remains unclear.